The following is an entry in ClinVar:

NM_003995.4(NPR2):c.1547C>T (p.Thr516Ile)

Gene: NPR2 (natriuretic peptide receptor 2; plus strand). Cytogenetic location: 9p13.3.
Variant type: single nucleotide variant.
Coding change: c.1547C>T on transcript NM_003995.4 (MANE Select); coding-DNA position 1547, C replaced by T.
Protein change: p.Thr516Ile; replaces threonine 516 with isoleucine.
Molecular consequence: missense variant.
Genome position (GRCh38, 1-based): chr9:35,801,753, C>T. VCF-style: chr9-35801753-C-T. GRCh37 (hg19) VCF-style: chr9-35801750-C-T.
Other names: c.1556C>T, p.Thr519Ile (NM_001378923.1); short protein forms T516I, T519I.
Identifiers: ClinVar variation 947302 (VCV000947302.10), dbSNP rs1828173261, ClinGen allele CA373372947.
Genomic context (GRCh38, chr9:35,801,753, plus strand): 5'-GGGAAGAACTGCAGTTTGGCAACTCAGAGCGTTATCACAAAGGTGCAGGCAGTCGCCTCA[C>T]ACTGTCGCTGGTGAGCCCTTGTCTCAGCTGTTCCTCTGCCTCCCTCTGAGTTCCTGTCCC-3'
Protein context (NP_003986.2, residues 506-526): RYHKGAGSRL[Thr516Ile]LSLRGSSYGS

ClinVar aggregate classification (germline): Uncertain significance (1 of 4 stars; one submission).

Conditions:
Acromesomelic dysplasia 1, Maroteaux type (AMD1). Also called: ACROMESOMELIC DYSPLASIA 1; ST. HELENA DYSPLASIA. Identifiers: Orphanet 40, MedGen C1864356, MONDO:0011275, OMIM 602875.
Tall stature-scoliosis-macrodactyly of the great toes syndrome. Also called: Epiphyseal chondrodysplasia, miura type. Identifiers: Orphanet 329191, MedGen C4014690, MONDO:0014401, OMIM 615923.

Submission:

Labcorp Genetics (formerly Invitae), Labcorp
Classification: Uncertain significance for Tall stature-scoliosis-macrodactyly of the great toes syndrome; Acromesomelic dysplasia 1, Maroteaux type. Last evaluated: 2022-08-14. Review status: criteria provided, single submitter. Criteria: Invitae Variant Classification Sherloc (09022015). Collection method: clinical testing. Allele origin: germline.
Comment: In summary, the available evidence is currently insufficient to determine the role of this variant in disease. Therefore, it has been classified as a Variant of Uncertain Significance. Algorithms developed to predict the effect of missense changes on protein structure and function (SIFT, PolyPhen-2, Align-GVGD) all suggest that this variant is likely to be disruptive. ClinVar contains an entry for this variant (Variation ID: 947302). This variant has not been reported in the literature in individuals affected with NPR2-related conditions. This variant is not present in population databases (gnomAD no frequency). This sequence change replaces threonine, which is neutral and polar, with isoleucine, which is neutral and non-polar, at codon 516 of the NPR2 protein (p.Thr516Ile).